The following is an entry in ClinVar:

ClinVar aggregate classification (germline): Uncertain significance (1 of 4 stars; one submission).

Submission:

Laboratory for Molecular Medicine, Mass General Brigham Personalized Medicine
Classification: Uncertain significance. Last evaluated: 2013-10-30. Review status: criteria provided, single submitter. Criteria: LMM Criteria. Collection method: clinical testing. Allele origin: germline. Observed: 1 variant allele.
Comment: The His292_Ala293delinsGlnSer variant in RSPH9 has not been reported in individu als with pulmonary disease or in large population studies. This variant changes two adjacent bases leading to a replacement of Histidine (His) and Alanine (Ala) at positions 292-293 with Glutamine (Gln) and Serine (Ser).Computational analys es (biochemical amino acid properties, evolutionary conservation, AlignGVGD, Pol yPhen2, and SIFT) do not provide strong support for or against an impact to the protein based on either amino acid change. Of note, neither the His292Gln nor th e Ala293Ser variants have independently been reported in individuals with pulmon ary disease or in large population studies. In summary, additional studies are n eeded to fully assess the clinical significance of the His292_Ala293delinsGlnSer variant.

NM_152732.5(RSPH9):c.824_825delinsAT (p.Met275Asn)

Gene: RSPH9 (radial spoke head component 9; plus strand). Cytogenetic location: 6p21.1.
Variant type: Indel.
Coding change: c.824_825delinsAT on transcript NM_152732.5 (MANE Select); coding-DNA positions 824 to 825, TG replaced by AT.
Protein change: p.Met275Asn; replaces methionine 275 with asparagine.
Molecular consequence: missense variant. On other transcripts: non-coding transcript variant (2).
Genome position (GRCh38, 1-based): chr6:43,670,942-43,670,943, TG replaced by AT. VCF-style: chr6-43670942-TG-AT. GRCh37 (hg19) VCF-style: chr6-43638679-TG-AT.
Other names: c.876_877delinsAT, p.His292_Ala293delinsGlnSer (NM_001193341.2); c.921_922delinsAT, p.His307_Ala308delinsGlnSer (NM_001424119.1); c.779_780delinsAT, p.Met260Asn (NM_001424120.1); short protein forms M275N, M260N.
Identifiers: ClinVar variation 165067 (VCV000165067.6), dbSNP rs727503395, ClinGen allele CA177739.